The following is an entry in ClinVar:

NM_001346810.2(DLGAP2):c.2376G>A (p.Thr792=)

Gene: DLGAP2 (DLG associated protein 2; plus strand). Cytogenetic location: 8p23.3.
Variant type: single nucleotide variant.
Coding change: c.2376G>A on transcript NM_001346810.2 (MANE Select); coding-DNA position 2376, G replaced by A.
Protein change: p.Thr792=; no amino-acid change (threonine 792 retained).
Molecular consequence: synonymous variant.
Genome position (GRCh38, 1-based): chr8:1,678,301, G>A. VCF-style: chr8-1678301-G-A. GRCh37 (hg19) VCF-style: chr8-1626467-G-A.
Identifiers: ClinVar variation 3040365 (VCV003040365.2), dbSNP rs149482724, ClinGen allele CA4598874.

ClinVar aggregate classification (germline): Benign (0 of 4 stars; one submission).

Conditions:
DLGAP2-related disorder. Also called: DLGAP2-related condition.

Allele frequency attached by ClinVar (database versions not stated): 1000 Genomes Project 30x 0.00016; 1000 Genomes Project 0.00020; ESP Exome Variant Server 0.00087; gnomAD 0.00101; ExAC 0.00115; TOPMed 0.00145.
gnomAD v4.1: 1,756 of 1,609,724 alleles (0.11%); highest among the groups gnomAD compares: Middle Eastern, 0.26%; 3 homozygotes.

Submission:

PreventionGenetics, part of Exact Sciences
Classification: Benign for DLGAP2-related condition. Last evaluated: 2019-04-08. Review status: no assertion criteria provided. Collection method: clinical testing. Allele origin: germline.
Comment: This variant is classified as benign based on ACMG/AMP sequence variant interpretation guidelines (Richards et al. 2015 PMID: 25741868, with internal and published modifications).